The following is an entry in ClinVar:

NM_176824.3(BBS7):c.1337G>A (p.Arg446Gln)

Gene: BBS7 (Bardet-Biedl syndrome 7; minus strand). Cytogenetic location: 4q27.
Variant type: single nucleotide variant.
Coding change: c.1337G>A on transcript NM_176824.3 (MANE Select); coding-DNA position 1337, G replaced by A.
Protein change: p.Arg446Gln; replaces arginine 446 with glutamine.
Molecular consequence: missense variant.
Genome position (GRCh38, 1-based): chr4:121,839,665, C>T on the plus strand (G>A on the coding strand, the complement: BBS7 is on the minus strand). VCF-style: chr4-121839665-C-T. GRCh37 (hg19) VCF-style: chr4-122760820-C-T.
Other names: c.1337G>A (NM_176824.2); c.1337G>A, p.Arg446Gln (NM_018190.4); short protein forms R446Q.
Identifiers: ClinVar variation 1339330 (VCV001339330.12), dbSNP rs372685495, ClinGen allele CA3064250.

ClinVar aggregate classification (germline): Conflicting classifications of pathogenicity. Review status: criteria provided, conflicting classifications (1 of 4 stars). 4 submissions from 4 submitters: Uncertain significance (2); Benign (1). 1 of the submissions does not count toward it. Last evaluated 2026-01-18.

Conditions:
Bardet-Biedl syndrome (BBS). Identifiers: Orphanet 110, MedGen C0752166, MONDO:0015229.
Bardet-Biedl syndrome 7 (BBS7). Identifiers: Orphanet 110, MedGen C1859565, MONDO:0014435, OMIM 615984.
BBS7-related disorder. Also called: BBS7-related condition.

Allele frequency attached by ClinVar (database versions not stated): gnomAD 0.00002 and 0.00017; TOPMed 0.00004; ESP Exome Variant Server 0.00008; gnomAD exomes 0.00023 and 0.00041; ExAC 0.00042; 1000 Genomes Project 0.00080; 1000 Genomes Project 30x 0.00109.
gnomAD v4.1: 348 of 1,613,628 alleles (0.022%); highest among the groups gnomAD compares: South Asian, 0.36%; 7 homozygotes.

Submissions (4):

Labcorp Genetics (formerly Invitae), Labcorp
Classification: Benign for Bardet-Biedl syndrome. Last evaluated: 2026-01-18. Review status: criteria provided, single submitter. Criteria: Invitae Variant Classification Sherloc (09022015). Collection method: clinical testing. Allele origin: germline.

GeneDx
Classification: Uncertain significance. Last evaluated: 2025-04-11. Review status: criteria provided, single submitter. Criteria: GeneDx Variant Classification Process June 2021. Collection method: clinical testing. Allele origin: germline. Affected: yes.
Comment: In silico analysis supports that this missense variant has a deleterious effect on protein structure/function; Has not been previously published as pathogenic or benign to our knowledge

Molecular Endocrinology Laboratory, Christian Medical College
Classification: Uncertain significance for Bardet-Biedl syndrome 7. Review status: criteria provided, single submitter. Criteria: ACMG Guidelines, 2015. Collection method: clinical testing. Allele origin: germline. Affected: yes.

PreventionGenetics, part of Exact Sciences
Classification: Likely benign for BBS7-related condition. Last evaluated: 2020-09-08. Review status: no assertion criteria provided. Collection method: clinical testing. Allele origin: germline. Not counted in ClinVar's aggregate classification.
Comment: This variant is classified as likely benign based on ACMG/AMP sequence variant interpretation guidelines (Richards et al. 2015 PMID: 25741868, with internal and published modifications).